The following is an entry in ClinVar:

ClinVar aggregate classification (germline): Likely benign (1 of 4 stars; one submission).

Allele frequency attached by ClinVar (database versions not stated): TOPMed 0.00001.
gnomAD v4.1: 13 of 1,613,944 alleles (0.00081%); highest among the groups gnomAD compares: Non-Finnish European, 0.001%; no homozygotes.

Submission:

CeGaT Center for Human Genetics Tuebingen
Classification: Likely benign. Last evaluated: 2023-11-01. Review status: criteria provided, single submitter. Criteria: CeGaT Center For Human Genetics Tuebingen Variant Classification Criteria Version 2. Collection method: clinical testing. Allele origin: germline. Affected: yes. Observed: 1 variant allele.
Comment: SHANK2: BP4

NM_012309.5(SHANK2):c.4697C>T (p.Ala1566Val)

Gene: SHANK2 (SH3 and multiple ankyrin repeat domains 2; minus strand). Cytogenetic location: 11q13.3.
Variant type: single nucleotide variant.
Coding change: c.4697C>T on transcript NM_012309.5 (MANE Select); coding-DNA position 4697, C replaced by T.
Protein change: p.Ala1566Val; replaces alanine 1566 with valine.
Molecular consequence: missense variant.
Genome position (GRCh38, 1-based): chr11:70,485,596, G>A on the plus strand (C>T on the coding strand, the complement: SHANK2 is on the minus strand). VCF-style: chr11-70485596-G-A. GRCh37 (hg19) VCF-style: chr11-70331701-G-A.
Other names: c.3560C>T, p.Ala1187Val (NM_001379226.1); c.2933C>T, p.Ala978Val (NM_133266.5); short protein forms A1187V, A1566V, A978V.
Identifiers: ClinVar variation 2672476 (VCV002672476.23), dbSNP rs781817291, ClinGen allele CA6160877.